The following is an entry in ClinVar:

NM_014489.4(PGAP2):c.166-1G>C

Gene: PGAP2 (post-GPI attachment to proteins 2; plus strand). Cytogenetic location: 11p15.4.
Variant type: single nucleotide variant.
Coding change: c.166-1G>C on transcript NM_014489.4 (MANE Select); the canonical splice acceptor site of the intron before coding-DNA position 166, G replaced by C.
Molecular consequence: splice acceptor variant. On other transcripts: intron variant (17).
Genome position (GRCh38, 1-based): chr11:3,817,352, G>C. VCF-style: chr11-3817352-G-C. GRCh37 (hg19) VCF-style: chr11-3838582-G-C.
Other names: c.165+5928G>C (NM_001346404.1, NM_001346405.1, NM_001256238.2 and 7 more transcripts); c.135-5557G>C (NM_001256235.2); c.162-6918G>C (NM_001283040.1); c.-38-5557G>C (NM_001346401.2, NM_001346399.2); c.318+5928G>C (NM_001346397.2); c.166-1G>C (NM_001256236.2, NM_001346403.1); c.201-5557G>C (NM_001346402.2); c.-40-6261G>C (NM_001283039.2).
Identifiers: ClinVar variation 4849295 (VCV004849295.1).

ClinVar aggregate classification (germline): Likely pathogenic (1 of 4 stars; one submission).

Conditions:
Hyperphosphatasia with impaired intellectual development syndrome 3. Also called: GLYCOSYLPHOSPHATIDYLINOSITOL BIOSYNTHESIS DEFECT 8; Hyperphosphatasia with intellectual disability syndrome 3. Identifiers: Orphanet 247262, MedGen C3280153, MONDO:0013628, OMIM 614207.

Submission:

First Genomix Gene Laboratory, Genetic Diagnostics Department
Classification: Likely pathogenic for Hyperphosphatasia with impaired intellectual development syndrome 3. Last evaluated: 2025-06-20. Review status: criteria provided, single submitter. Criteria: ACMG Guidelines, 2015. Collection method: clinical testing. Allele origin: germline. Inheritance: Autosomal recessive inheritance. Affected: no. Observed: 1 variant allele.